The following is an entry in ClinVar:

ClinVar aggregate classification (germline): Uncertain significance (1 of 4 stars; one submission).

gnomAD v4.1: 4 of 1,613,940 alleles (0.00025%); highest among the groups gnomAD compares: South Asian, 0.0022%; no homozygotes.

Submission:

Women's Health and Genetics/Laboratory Corporation of America, LabCorp
Classification: Uncertain significance. Last evaluated: 2024-11-20. Review status: criteria provided, single submitter. Criteria: LabCorp Variant Classification Summary - May 2015. Collection method: clinical testing. Allele origin: germline.
Comment: Variant summary: MUT c.1132G>T (p.Val378Leu) results in a conservative amino acid change in the encoded protein sequence. Four of five in-silico tools predict a damaging effect of the variant on protein function. The variant allele was found at a frequency of 8e-06 in 251092 control chromosomes (gnomAD). c.1132G>T has been reported in the literature in an individual affected with Methylmalonic Acidemia (Al-Jasmi_2016). These data indicate that the variant may be associated with disease. To our knowledge, no experimental evidence demonstrating an impact on protein function has been reported. The following publication has been ascertained in the context of this evaluation (PMID: 26589311). No submitters have cited clinical-significance assessments for this variant to ClinVar. Based on the evidence outlined above, the variant was classified as VUS-possibly pathogenic.

Literature cited by the submitters: PubMed 26589311.

NM_000255.4(MMUT):c.1132G>T (p.Val378Leu)

Gene: MMUT (methylmalonyl-CoA mutase; minus strand). Cytogenetic location: 6p12.3.
Variant type: single nucleotide variant.
Coding change: c.1132G>T on transcript NM_000255.4 (MANE Select); coding-DNA position 1132, G replaced by T.
Protein change: p.Val378Leu; replaces valine 378 with leucine.
Molecular consequence: missense variant.
Genome position (GRCh38, 1-based): chr6:49,451,666, C>A on the plus strand (G>T on the coding strand, the complement: MMUT is on the minus strand). VCF-style: chr6-49451666-C-A. GRCh37 (hg19) VCF-style: chr6-49419379-C-A.
Other names: short protein forms V378L.
Identifiers: ClinVar variation 3629959 (VCV003629959.1).